The following is an entry in ClinVar:

NM_003673.4(TCAP):c.97C>T (p.Arg33Trp)

Gene: TCAP (titin-cap; plus strand). Cytogenetic location: 17q12.
Variant type: single nucleotide variant.
Coding change: c.97C>T on transcript NM_003673.4 (MANE Select); coding-DNA position 97, C replaced by T.
Protein change: p.Arg33Trp; replaces arginine 33 with tryptophan.
Molecular consequence: missense variant.
Genome position (GRCh38, 1-based): chr17:39,665,456, C>T. VCF-style: chr17-39665456-C-T. GRCh37 (hg19) VCF-style: chr17-37821709-C-T.
Other names: short protein forms R33W.
Identifiers: ClinVar variation 282451 (VCV000282451.27), dbSNP rs145524909, ClinGen allele CA8532833.

ClinVar aggregate classification (germline): Uncertain significance. Review status: criteria provided, multiple submitters, no conflicts (2 of 4 stars). 10 submissions from 10 submitters: Uncertain significance (9). 1 of the submissions does not count toward it. Last evaluated 2026-06-30.

Conditions:
TCAP-related disorder. Also called: TCAP-related condition.
Cardiovascular phenotype. Identifiers: MedGen CN230736.
Hypertrophic cardiomyopathy 25 (CMH25). Also called: CARDIOMYOPATHY, FAMILIAL HYPERTROPHIC, 25. Identifiers: MedGen C4225408, MONDO:0011843, OMIM 607487.
Primary familial hypertrophic cardiomyopathy (HCM). Identifiers: Orphanet 99739, MedGen C0949658, MeSH D024741, MONDO:0024573. Inheritance: Various modes of inheritance.
Autosomal recessive limb-girdle muscular dystrophy type 2G (LGMDR7). Also called: MUSCULAR DYSTROPHY, LIMB-GIRDLE, AUTOSOMAL RECESSIVE 7; Telethoninopathy; Limb-girdle muscular dystrophy, type 2G. Identifiers: Orphanet 34514, MedGen C1866008, MONDO:0011170, OMIM 601954.
Hypertrophic cardiomyopathy 1 (CMH1). Also called: MYH7-Related Familial Hypertrophic Cardiomyopathy; Familial hypertrophic cardiomyopathy 1. Identifiers: MedGen C3495498, MONDO:0008647, OMIM 192600.
Wolff-Parkinson-White pattern. Also called: Auriculoventricular accessory pathway syndrome; False bundle branch block syndrome; Anomalous ventricular excitation syndrome; WPW SYNDROME. Identifiers: MedGen C0043202, MONDO:0008685, OMIM 194200, HP:0001716.

Allele frequency attached by ClinVar (database versions not stated): gnomAD exomes 0.00006; ExAC 0.00007; gnomAD 0.00008 and 0.00009; TOPMed 0.00008; ESP Exome Variant Server 0.00023.
gnomAD v4.1: 130 of 1,613,194 alleles (0.0081%); highest among the groups gnomAD compares: Admixed American, 0.03%; no homozygotes.

Submissions (10):

PreventionGenetics, part of Exact Sciences
Classification: Uncertain significance for TCAP-related condition. Last evaluated: 2026-06-30. Review status: criteria provided, single submitter. Criteria: ACMG Guidelines, 2015. Collection method: clinical testing. Allele origin: germline.
Comment: The TCAP c.97C>T variant is predicted to result in the amino acid substitution p.Arg33Trp. This variant has been reported in an individual with Wolff-Parkinson-White syndrome (Table S4, Coban-Akdemir et al. 2020. PubMed ID: 32233023) and in an individual with hypertrophic cardiomyopathy (Supplementary Tabe 2, Mademont-Soler et al. 2017. PubMed ID: 28771489). This variant is reported in 0.034% of alleles in individuals of Latino descent in gnomAD and is interpreted as uncertain in ClinVar (Variation ID: 282451). At this time, the clinical significance of this variant is uncertain due to the absence of conclusive functional and genetic evidence.

Labcorp Genetics (formerly Invitae), Labcorp
Classification: Uncertain significance for Hypertrophic cardiomyopathy 25; Primary familial hypertrophic cardiomyopathy. Last evaluated: 2026-01-06. Review status: criteria provided, single submitter. Criteria: Invitae Variant Classification Sherloc (09022015). Collection method: clinical testing. Allele origin: germline.
Comment: This sequence change replaces arginine, which is basic and polar, with tryptophan, which is neutral and slightly polar, at codon 33 of the TCAP protein (p.Arg33Trp). This variant is present in population databases (rs145524909, gnomAD 0.03%). This variant has not been reported in the literature in individuals affected with TCAP-related conditions. ClinVar contains an entry for this variant (Variation ID: 282451). An algorithm developed to predict the effect of missense changes on protein structure and function (PolyPhen-2) suggests that this variant is likely to be disruptive. In summary, the available evidence is currently insufficient to determine the role of this variant in disease. Therefore, it has been classified as a Variant of Uncertain Significance.

Revvity Omics, Revvity
Classification: Uncertain significance. Last evaluated: 2025-01-24. Review status: criteria provided, single submitter. Criteria: ACMG Guidelines, 2015. Collection method: clinical testing. Allele origin: germline.

Ambry Genetics
Classification: Uncertain significance for Cardiovascular phenotype. Last evaluated: 2024-03-27. Review status: criteria provided, single submitter. Criteria: Ambry Variant Classification Scheme 2023. Collection method: clinical testing. Allele origin: germline.
Comment: The p.R33W variant (also known as c.97C>T), located in coding exon 1 of the TCAP gene, results from a C to T substitution at nucleotide position 97. The arginine at codon 33 is replaced by tryptophan, an amino acid with dissimilar properties. This alteration has been reported in a Wolff-Parkinson-White cohort and a hypertrophic cardiomyopathy cohort; however clinical details were limited and an additional alteration in another cardiac-related gene was identified in one case (Coban-Akdemir ZH et al. Am J Med Genet A, 2020 06;182:1387-1399; Mademont-Soler I et al. PLoS One, 2017 Aug;12:e0181465). This amino acid position is well conserved in available vertebrate species. In addition, the in silico prediction for this alteration is inconclusive. Since supporting evidence is limited at this time, the clinical significance of this alteration remains unclear.

GeneDx
Classification: Uncertain significance. Last evaluated: 2024-02-01. Review status: criteria provided, single submitter. Criteria: GeneDx Variant Classification Process June 2021. Collection method: clinical testing. Allele origin: germline. Affected: yes.
Comment: The majority of missense variants in this gene are considered pathogenic (HGMD); In silico analysis supports that this missense variant has a deleterious effect on protein structure/function; This variant is associated with the following publications: (PMID: 32233023, 16490376, 30564623, 28771489)

Fulgent Genetics
Classification: Uncertain significance for Autosomal recessive limb-girdle muscular dystrophy type 2G; Hypertrophic cardiomyopathy 25. Last evaluated: 2021-12-05. Review status: criteria provided, single submitter. Criteria: ACMG Guidelines, 2015. Collection method: clinical testing. Allele origin: unknown.

Molecular Diagnostic Laboratory for Inherited Cardiovascular Disease, Montreal Heart Institute
Classification: Uncertain significance for Hypertrophic cardiomyopathy 1. Last evaluated: 2019-08-07. Review status: criteria provided, single submitter. Criteria: ACMG Guidelines, 2015. Collection method: clinical testing. Allele origin: germline. Affected: yes.

Eurofins Ntd Llc (ga)
Classification: Uncertain significance. Last evaluated: 2017-10-20. Review status: criteria provided, single submitter. Criteria: EGL Classification Definitions 2015. Collection method: clinical testing. Allele origin: germline. Observed: 4 variant alleles, 4 heterozygotes.

Neuberg Centre For Genomic Medicine, NCGM
Classification: Uncertain significance for Hypertrophic cardiomyopathy 25. Review status: criteria provided, single submitter. Criteria: ACMG Guidelines, 2015. Collection method: clinical testing. Allele origin: germline. Inheritance: Autosomal dominant inheritance. Affected: yes.
Comment: The missense variant c.97C>T(p.Arg33Trp) in TCAP gene has not been reported previously as a pathogenic variant nor as a benign variant, to our knowledge. The observed variant has allele frequency of 0.006% in gnomAD exomes database. This variant has been submited to the ClinVar database as Uncertain Significance (VUS). Multiple lines of computational evidence (Polyphen - probably damaging, SIFT - damaging and MutationTaster - disease causing) predict a damaging effect on protein structure and function for this variant. The reference amino acid change p.Arg33Trp in TCAP is predicted as conserved by GERP++ and PhyloP across 100 vertebrates. The amino acid Arg at position 33 is changed to a Trp changing protein sequence and it might alter its composition and physico-chemical properties. For these reasons, this variant has been classified as Uncertain Significance (VUS).

Lupski Lab, Baylor-Hopkins CMG, Baylor College of Medicine
Classification: Uncertain significance for Wolff-Parkinson-White pattern. Last evaluated: 2017-07-14. Review status: no assertion criteria provided. Collection method: research. Allele origin: inherited. Affected: yes. Observed: 1 variant allele. Study: Candidate_variants_in_patients_with_ Wolff-Parkinson-White Syndrome. Not counted in ClinVar's aggregate classification.

Literature cited by the submitters: PubMed 28771489 (cited by Ambry Genetics); PubMed 32233023 (cited by Ambry Genetics).